The following is an entry in ClinVar:

NM_020198.3(CCDC47):c.-19-4dup

Gene: CCDC47 (coiled-coil domain containing 47; minus strand). Cytogenetic location: 17q23.3.
Variant type: Duplication.
Coding change: c.-19-4dup on transcript NM_020198.3 (MANE Select); 4 bases into the intron before 19 bases upstream of the start codon, one base duplicated (T; older notation c.-19-4dupT).
Molecular consequence: intron variant.
Genome position (GRCh38, 1-based): chr17:63,766,198, A duplicated on the plus strand (T on the coding strand, the reverse complement: CCDC47 is on the minus strand); the first of 9 consecutive A bases (chr17:63,766,198-63,766,206); duplicating any one gives the same sequence. VCF-style (leftmost placement, unchanged base first): chr17-63766197-T-TA. GRCh37 (hg19) VCF-style: chr17-61843557-T-TA.
Identifiers: ClinVar variation 4533781 (VCV004533781.6).

ClinVar aggregate classification (germline): Likely benign (1 of 4 stars; one submission).

Submission:

CeGaT Center for Human Genetics Tuebingen
Classification: Likely benign. Last evaluated: 2025-10-01. Review status: criteria provided, single submitter. Criteria: CeGaT Center For Human Genetics Tuebingen Variant Classification Criteria Version 2. Collection method: clinical testing. Allele origin: germline. Affected: yes. Observed: 1 variant allele.
Comment: CCDC47: BS1